The following is an entry in ClinVar:

NM_000628.5(IL10RB):c.863A>T (p.Glu288Val)

Genes: IL10RB (interleukin 10 receptor subunit beta; plus strand), IFNAR2-IL10RB (IFNAR2-IL10RB readthrough; plus strand). Cytogenetic location: 21q22.11.
Variant type: single nucleotide variant.
Coding change: c.863A>T on transcript NM_000628.5 (MANE Select); coding-DNA position 863, A replaced by T.
Protein change: p.Glu288Val; replaces glutamic acid 288 with valine.
Molecular consequence: missense variant. On other transcripts: 3 prime UTR variant (1), intron variant (2).
Genome position (GRCh38, 1-based): chr21:33,296,242, A>T. VCF-style: chr21-33296242-A-T. GRCh37 (hg19) VCF-style: chr21-34668547-A-T.
Other names: c.1523A>T, p.Glu508Val (NM_001414505.1); c.*36A>T (NM_001406840.1); c.804+7981A>T (NM_001405849.1, NM_001405850.1); short protein forms E288V, E508V.
Identifiers: ClinVar variation 2092210 (VCV002092210.4), dbSNP rs2516816345, ClinGen allele CA410096368.

ClinVar aggregate classification (germline): Uncertain significance (1 of 4 stars; one submission).

Conditions:
Inflammatory bowel disease 25. Also called: Inflammatory bowel disease 25, early onset, autosomal recessive. Identifiers: Orphanet 238569, MedGen C2675508, MONDO:0012941, OMIM 612567.

Allele frequency attached by ClinVar (database versions not stated): gnomAD exomes below 0.00001.
gnomAD v4.1: 1 of 1,614,114 alleles (0.000062%); highest among the groups gnomAD compares: Non-Finnish European, 0.000085%; no homozygotes.

Submission:

Labcorp Genetics (formerly Invitae), Labcorp
Classification: Uncertain significance for Inflammatory bowel disease 25. Last evaluated: 2024-03-04. Review status: criteria provided, single submitter. Criteria: Invitae Variant Classification Sherloc (09022015). Collection method: clinical testing. Allele origin: germline.
Comment: This sequence change replaces glutamic acid, which is acidic and polar, with valine, which is neutral and non-polar, at codon 288 of the IL10RB protein (p.Glu288Val). This variant is not present in population databases (gnomAD no frequency). This variant has not been reported in the literature in individuals affected with IL10RB-related conditions. ClinVar contains an entry for this variant (Variation ID: 2092210). An algorithm developed to predict the effect of missense changes on protein structure and function (PolyPhen-2) suggests that this variant is likely to be disruptive. In summary, the available evidence is currently insufficient to determine the role of this variant in disease. Therefore, it has been classified as a Variant of Uncertain Significance.